The following is an entry in ClinVar:

NM_000350.3(ABCA4):c.5836-2A>G

Gene: ABCA4 (ATP binding cassette subfamily A member 4; minus strand). Cytogenetic location: 1p22.1.
Variant type: single nucleotide variant.
Coding change: c.5836-2A>G on transcript NM_000350.3 (MANE Select); the canonical splice acceptor site of the intron before coding-DNA position 5836, A replaced by G.
Molecular consequence: splice acceptor variant.
Genome position (GRCh38, 1-based): chr1:94,008,299, T>C on the plus strand (A>G on the coding strand, the complement: ABCA4 is on the minus strand). VCF-style: chr1-94008299-T-C. GRCh37 (hg19) VCF-style: chr1-94473855-T-C.
Identifiers: ClinVar variation 1073004 (VCV001073004.10), dbSNP rs1659453002, ClinGen allele CA341280049.

ClinVar aggregate classification (germline): Pathogenic/Likely pathogenic. Review status: criteria provided, multiple submitters, no conflicts (2 of 4 stars). 2 submissions from 2 submitters: Pathogenic (1); Likely pathogenic (1). Last evaluated 2024-03-04.

Conditions:
ABCA4-related disorder. Also called: ABCA4-related disorders; ABCA4-related condition. Identifiers: MedGen CN239167.

Allele frequency attached by ClinVar (database versions not stated): gnomAD exomes below 0.00001.
gnomAD v4.1: 1 of 1,613,958 alleles (0.000062%); highest among the groups gnomAD compares: South Asian, 0.0011%; no homozygotes.

Submissions (2):

Labcorp Genetics (formerly Invitae), Labcorp
Classification: Pathogenic. Last evaluated: 2024-03-04. Review status: criteria provided, single submitter. Criteria: Invitae Variant Classification Sherloc (09022015). Collection method: clinical testing. Allele origin: germline.
Comment: This sequence change affects an acceptor splice site in intron 41 of the ABCA4 gene. It is expected to disrupt RNA splicing. Variants that disrupt the donor or acceptor splice site typically lead to a loss of protein function (PMID: 16199547), and loss-of-function variants in ABCA4 are known to be pathogenic (PMID: 10958761, 24938718, 25312043, 26780318). This variant is not present in population databases (gnomAD no frequency). Disruption of this splice site has been observed in individuals with Stargardt disease or retinitis pigmentosa (PMID: 11527935, 21911583). ClinVar contains an entry for this variant (Variation ID: 1073004). Algorithms developed to predict the effect of sequence changes on RNA splicing suggest that this variant may disrupt the consensus splice site. For these reasons, this variant has been classified as Pathogenic.

Blueprint Genetics
Classification: Likely pathogenic for ABCA4-related disorders. Last evaluated: 2023-10-04. Review status: criteria provided, single submitter. Criteria: ACMG Guidelines, 2015. Collection method: clinical testing. Allele origin: germline. Affected: yes. Observed: 2 variant alleles.

Literature cited by the submitters: PubMed 16199547 (cited by Labcorp Genetics (formerly Invitae), Labcorp); PubMed 10958761 (cited by Labcorp Genetics (formerly Invitae), Labcorp); PubMed 24938718 (cited by Labcorp Genetics (formerly Invitae), Labcorp); PubMed 25312043 (cited by Labcorp Genetics (formerly Invitae), Labcorp); PubMed 26780318 (cited by Labcorp Genetics (formerly Invitae), Labcorp); PubMed 11527935 (cited by Labcorp Genetics (formerly Invitae), Labcorp); PubMed 21911583 (cited by Labcorp Genetics (formerly Invitae), Labcorp).